The following is an entry in ClinVar:

NM_000256.3(MYBPC3):c.1323G>C (p.Glu441Asp)

Gene: MYBPC3 (myosin binding protein C3; minus strand). Cytogenetic location: 11p11.2.
Variant type: single nucleotide variant.
Coding change: c.1323G>C on transcript NM_000256.3 (MANE Select); coding-DNA position 1323, G replaced by C.
Protein change: p.Glu441Asp; replaces glutamic acid 441 with aspartic acid.
Molecular consequence: missense variant.
Genome position (GRCh38, 1-based): chr11:47,343,049, C>G on the plus strand (G>C on the coding strand, the complement: MYBPC3 is on the minus strand). VCF-style: chr11-47343049-C-G. GRCh37 (hg19) VCF-style: chr11-47364600-C-G.
Other names: short protein forms E441D.
Identifiers: ClinVar variation 3915204 (VCV003915204.1).

ClinVar aggregate classification (germline): Uncertain significance (1 of 4 stars; one submission).

Conditions:
Cardiovascular phenotype. Identifiers: MedGen CN230736.

Submission:

Ambry Genetics
Classification: Uncertain significance for Cardiovascular phenotype. Last evaluated: 2025-03-23. Review status: criteria provided, single submitter. Criteria: Ambry Variant Classification Scheme 2023. Collection method: clinical testing. Allele origin: germline.
Comment: The p.E441D variant (also known as c.1323G>C), located in coding exon 15 of the MYBPC3 gene, results from a G to C substitution at nucleotide position 1323. The glutamic acid at codon 441 is replaced by aspartic acid, an amino acid with highly similar properties. This amino acid position is conserved. In addition, this alteration is predicted to be tolerated by in silico analysis. Based on the available evidence, the clinical significance of this variant remains unclear.